The following is an entry in ClinVar:

ClinVar aggregate classification (germline): Uncertain significance (1 of 4 stars; one submission).

gnomAD v4.1: 1 of 1,609,034 alleles (0.000062%); no homozygotes.

Submission:

Labcorp Genetics (formerly Invitae), Labcorp
Classification: Uncertain significance. Last evaluated: 2021-09-18. Review status: criteria provided, single submitter. Criteria: Invitae Variant Classification Sherloc (09022015). Collection method: clinical testing. Allele origin: germline.
Comment: This variant has not been reported in the literature in individuals affected with ZNF143-related conditions. In summary, the available evidence is currently insufficient to determine the role of this variant in disease. Therefore, it has been classified as a Variant of Uncertain Significance. Algorithms developed to predict the effect of sequence changes on RNA splicing suggest that this variant may disrupt the consensus splice site. This variant is not present in population databases (ExAC no frequency). This sequence change falls in intron 2 of the ZNF143 gene. It does not directly change the encoded amino acid sequence of the ZNF143 protein.

NM_003442.6(ZNF143):c.113-4A>G

Gene: ZNF143 (zinc finger protein 143; plus strand). Cytogenetic location: 11p15.4.
Variant type: single nucleotide variant.
Coding change: c.113-4A>G on transcript NM_003442.6 (MANE Select); 4 bases into the intron before coding-DNA position 113, A replaced by G.
Molecular consequence: intron variant.
Genome position (GRCh38, 1-based): chr11:9,472,673, A>G. VCF-style: chr11-9472673-A-G. GRCh37 (hg19) VCF-style: chr11-9494220-A-G.
Other names: c.113-4A>G (NM_001282656.2); c.112+1253A>G (NM_001282657.2).
Identifiers: ClinVar variation 1382101 (VCV001382101.6), dbSNP rs1856650873, ClinGen allele CA1951621634.